The following is an entry in ClinVar:

ClinVar aggregate classification (germline): Uncertain significance (1 of 4 stars; one submission).

Allele frequency attached by ClinVar (database versions not stated): TOPMed below 0.00001; ExAC 0.00001; gnomAD 0.00001; gnomAD exomes 0.00002.
gnomAD v4.1: 36 of 1,610,598 alleles (0.0022%); highest among the groups gnomAD compares: Non-Finnish European, 0.0028%; no homozygotes.

Submission:

Labcorp Genetics (formerly Invitae), Labcorp
Classification: Uncertain significance. Last evaluated: 2024-10-23. Review status: criteria provided, single submitter. Criteria: Invitae Variant Classification Sherloc (09022015). Collection method: clinical testing. Allele origin: germline.
Comment: This sequence change replaces alanine, which is neutral and non-polar, with threonine, which is neutral and polar, at codon 203 of the STEAP3 protein (p.Ala203Thr). This variant is present in population databases (rs750297143, gnomAD 0.004%). This variant has not been reported in the literature in individuals affected with STEAP3-related conditions. ClinVar contains an entry for this variant (Variation ID: 1900011). An algorithm developed to predict the effect of missense changes on protein structure and function (PolyPhen-2) suggests that this variant is likely to be tolerated. In summary, the available evidence is currently insufficient to determine the role of this variant in disease. Therefore, it has been classified as a Variant of Uncertain Significance.

NM_182915.3(STEAP3):c.637G>A (p.Ala213Thr)

Genes: STEAP3-AS1 (STEAP3 antisense RNA 1; minus strand), STEAP3 (STEAP3 metalloreductase; plus strand). Cytogenetic location: 2q14.2.
Variant type: single nucleotide variant.
Coding change: c.637G>A on transcript NM_182915.3 (MANE Select); coding-DNA position 637, G replaced by A.
Protein change: p.Ala213Thr; replaces alanine 213 with threonine.
Molecular consequence: missense variant.
Genome position (GRCh38, 1-based): chr2:119,247,793, G>A. VCF-style: chr2-119247793-G-A. GRCh37 (hg19) VCF-style: chr2-120005369-G-A.
Other names: c.607G>A, p.Ala203Thr (NM_001008410.2, NM_018234.3, NM_138637.3); short protein forms A213T, A203T.
Identifiers: ClinVar variation 1900011 (VCV001900011.5), dbSNP rs750297143, ClinGen allele CA1846659.